The following is an entry in ClinVar:

NM_015072.5(TTLL5):c.2752T>G (p.Leu918Val)

Gene: TTLL5 (tubulin tyrosine ligase like 5; plus strand). Cytogenetic location: 14q24.3.
Variant type: single nucleotide variant.
Coding change: c.2752T>G on transcript NM_015072.5 (MANE Select); coding-DNA position 2752, T replaced by G.
Protein change: p.Leu918Val; replaces leucine 918 with valine.
Molecular consequence: missense variant.
Genome position (GRCh38, 1-based): chr14:75,783,296, T>G. VCF-style: chr14-75783296-T-G. GRCh37 (hg19) VCF-style: chr14-76249639-T-G.
Other names: short protein forms L918V.
Identifiers: ClinVar variation 857164 (VCV000857164.10), dbSNP rs1892168619, ClinGen allele CA390472297.

ClinVar aggregate classification (germline): Uncertain significance (1 of 4 stars; one submission).

Submission:

Labcorp Genetics (formerly Invitae), Labcorp
Classification: Uncertain significance. Last evaluated: 2022-11-22. Review status: criteria provided, single submitter. Criteria: Invitae Variant Classification Sherloc (09022015). Collection method: clinical testing. Allele origin: germline.
Comment: In summary, the available evidence is currently insufficient to determine the role of this variant in disease. Therefore, it has been classified as a Variant of Uncertain Significance. Advanced modeling of protein sequence and biophysical properties (such as structural, functional, and spatial information, amino acid conservation, physicochemical variation, residue mobility, and thermodynamic stability) performed at Invitae indicates that this missense variant is not expected to disrupt TTLL5 protein function. ClinVar contains an entry for this variant (Variation ID: 857164). This variant has not been reported in the literature in individuals affected with TTLL5-related conditions. This variant is not present in population databases (gnomAD no frequency). This sequence change replaces leucine, which is neutral and non-polar, with valine, which is neutral and non-polar, at codon 918 of the TTLL5 protein (p.Leu918Val).